The following is an entry in ClinVar:

ClinVar aggregate classification (germline): Uncertain significance. Review status: criteria provided, multiple submitters, no conflicts (2 of 4 stars). 2 submissions from 2 submitters: Uncertain significance (2). Last evaluated 2026-09-01.

Conditions:
Inborn genetic diseases. Identifiers: MedGen C0950123, MeSH D030342.
TRIP12-related disorder. Also called: TRIP12-related condition.

Allele frequency attached by ClinVar (database versions not stated): gnomAD exomes below 0.00001; TOPMed 0.00002.
gnomAD v4.1: 1 of 1,614,092 alleles (0.000062%); highest among the groups gnomAD compares: Admixed American, 0.0017%; no homozygotes.

Submissions (2):

PreventionGenetics, part of Exact Sciences
Classification: Uncertain significance for TRIP12-related condition. Last evaluated: 2026-09-01. Review status: criteria provided, single submitter. Criteria: ACMG Guidelines, 2015. Collection method: clinical testing. Allele origin: germline.
Comment: The TRIP12 c.289T>G variant is predicted to result in the amino acid substitution p.Ser97Ala. To our knowledge, this variant has not been reported in the literature. This variant is reported in 1 allele out of 250488 alleles in gnomAD. At this time, the clinical significance of this variant is uncertain due to the absence of conclusive functional and genetic evidence.

Ambry Genetics
Classification: Uncertain significance for Inborn genetic diseases. Last evaluated: 2023-12-22. Review status: criteria provided, single submitter. Criteria: Ambry Variant Classification Scheme 2023. Collection method: clinical testing. Allele origin: germline.

NM_001348323.3(TRIP12):c.289T>G (p.Ser97Ala)

Gene: TRIP12 (thyroid hormone receptor interactor 12; minus strand). Cytogenetic location: 2q36.3.
Variant type: single nucleotide variant.
Coding change: c.289T>G on transcript NM_001348323.3 (MANE Select); coding-DNA position 289, T replaced by G.
Protein change: p.Ser97Ala; replaces serine 97 with alanine.
Molecular consequence: missense variant. On other transcripts: intron variant (1).
Genome position (GRCh38, 1-based): chr2:229,859,510, A>C on the plus strand (T>G on the coding strand, the complement: TRIP12 is on the minus strand). VCF-style: chr2-229859510-A-C. GRCh37 (hg19) VCF-style: chr2-230724226-A-C.
Other names: c.289T>G, p.Ser97Ala (NM_001284214.2, NM_001348315.2, NM_001348319.1 and 15 more transcripts); c.163T>G, p.Ser55Ala (NM_001284215.2, NM_001348316.2, NM_001348317.1 and 3 more transcripts); c.289T>G (NM_001284214.1); c.98+20472T>G (NM_001284216.2); short protein forms S55A, S97A.
Identifiers: ClinVar variation 3182922 (VCV003182922.2), dbSNP rs1296912870, ClinGen allele CA350899750.
Genomic context (GRCh38, chr2:229,859,510, plus strand): 5'-TGCGCTTCACTCCTCGAGAATTGTCTTTCTTAGGCACCTGCCCCGTTTTTTGTCTTTCTG[A>C]AGTATTGGCTCTGTCTGGATCCTCTGGTTGTGGAACTATCACAGCAGATGATGAACTGCA-3'
Protein context (NP_001335252.1, residues 87-107): QPEDPDRANT[Ser97Ala]ERQKTGQVPK